The following is an entry in ClinVar:

ClinVar aggregate classification (germline): Uncertain significance (1 of 4 stars; one submission).

Submission:

Ambry Genetics
Classification: Uncertain significance. Last evaluated: 2024-03-12. Review status: criteria provided, single submitter. Criteria: Ambry Variant Classification Scheme 2023. Collection method: clinical testing. Allele origin: germline.
Comment: The p.L1905F variant (also known as c.5713C>T), located in coding exon 8 of the ALPK2 gene, results from a C to T substitution at nucleotide position 5713. The leucine at codon 1905 is replaced by phenylalanine, an amino acid with highly similar properties. This amino acid position is conserved. In addition, this alteration is predicted to be tolerated by in silico analysis. Based on the available evidence, the clinical significance of this alteration remains unclear.

NM_052947.4(ALPK2):c.5713C>T (p.Leu1905Phe)

Gene: ALPK2 (alpha kinase 2; minus strand). Cytogenetic location: 18q21.31.
Variant type: single nucleotide variant.
Coding change: c.5713C>T on transcript NM_052947.4 (MANE Select); coding-DNA position 5713, C replaced by T.
Protein change: p.Leu1905Phe; replaces leucine 1905 with phenylalanine.
Molecular consequence: missense variant.
Genome position (GRCh38, 1-based): chr18:58,517,135, G>A on the plus strand (C>T on the coding strand, the complement: ALPK2 is on the minus strand). VCF-style: chr18-58517135-G-A. GRCh37 (hg19) VCF-style: chr18-56184367-G-A.
Other names: short protein forms L1905F.
Identifiers: ClinVar variation 3228811 (VCV003228811.1), dbSNP rs2518862982, ClinGen allele CA402549168.